The following is an entry in ClinVar:

NM_000432.4(MYL2):c.19_23del (p.Lys7fs)

Genes: MYL2 (myosin light chain 2; minus strand), LOC114827850 (VISTA enhancer hs2149; plus strand). Cytogenetic location: 12q24.11.
Variant type: Deletion.
Coding change: c.19_23del on transcript NM_000432.4 (MANE Select); coding-DNA positions 19 to 23, 5 bases deleted (AAGAA; older notation c.19_23delAAGAA).
Protein change: p.Lys7fs; shifts the reading frame from lysine 7.
Molecular consequence: frameshift variant. On other transcripts: 5 prime UTR variant (1).
Genome position (GRCh38, 1-based): chr12:110,919,174-110,919,178, TTCTT deleted on the plus strand (AAGAA on the coding strand, the reverse complement: MYL2 is on the minus strand); deleting any 5 consecutive bases within chr12:110,919,174-110,919,179 gives the same sequence; the c. name uses the placement nearest the transcript's 3' end. VCF-style (leftmost placement, unchanged base first): chr12-110919173-CTTCTT-C. GRCh37 (hg19) VCF-style: chr12-111356977-CTTCTT-C.
Other names: c.19_23del, p.Lys7fs (NM_001406745.1); c.18_22delAAAGA, p.Lys7Glufs (NM_001406746.1); c.-39_-35del (NM_001406916.1); c.19_23delAAGAA (NM_000432.3); short protein forms K7fs.
Identifiers: ClinVar variation 2770471 (VCV002770471.4), dbSNP rs2499815055, ClinGen allele CA2620917717.

ClinVar aggregate classification (germline): Uncertain significance. Review status: criteria provided, multiple submitters, no conflicts (2 of 4 stars). 2 submissions from 2 submitters: Uncertain significance (2). Last evaluated 2026-02-06.

Conditions:
Cardiovascular phenotype. Identifiers: MedGen CN230736.
Hypertrophic cardiomyopathy 10. Also called: CARDIOMYOPATHY, HYPERTROPHIC, MID-LEFT VENTRICULAR CHAMBER TYPE, 2; MYL2-Related Familial Hypertrophic Cardiomyopathy. Identifiers: MedGen C1834460, MONDO:0012112, OMIM 608758.

Submissions (2):

Ambry Genetics
Classification: Uncertain significance for Cardiovascular phenotype. Last evaluated: 2026-02-06. Review status: criteria provided, single submitter. Criteria: Ambry Variant Classification Scheme 2023. Collection method: clinical testing. Allele origin: germline.
Comment: The c.19_23delAAGAA variant, located in coding exon 2 of the MYL2 gene, results from a deletion of 5 nucleotides at nucleotide positions 19 to 23, causing a translational frameshift with a predicted alternate stop codon (p.K7Efs*22). This alteration is expected to result in loss of function by premature protein truncation or nonsense-mediated mRNA decay. Although biallelic loss of function of MYL2 has been associated with autosomal recessive infantile onset myofibrillar myopathy with cardiomyopathy, haploinsufficiency of MYL2 has not been established as a mechanism of disease for autosomal dominant cardiomyopathy. Based on the supporting evidence, this variant is expected to be causative of autosomal recessive infantile onset myofibrillar myopathy with cardiomyopathy when present along with a second pathogenic variant on the other allele; however, its clinical significance for autosomal dominant cardiomyopathy is unclear.

Labcorp Genetics (formerly Invitae), Labcorp
Classification: Uncertain significance for Hypertrophic cardiomyopathy 10. Last evaluated: 2023-10-22. Review status: criteria provided, single submitter. Criteria: Invitae Variant Classification Sherloc (09022015). Collection method: clinical testing. Allele origin: germline.
Comment: This sequence change creates a premature translational stop signal (p.Lys7Glufs*22) in the MYL2 gene. It is expected to result in an absent or disrupted protein product. However, the current clinical and genetic evidence is not sufficient to establish whether loss-of-function variants in MYL2 cause disease. This variant is not present in population databases (gnomAD no frequency). This variant has not been reported in the literature in individuals affected with MYL2-related conditions. In summary, the available evidence is currently insufficient to determine the role of this variant in disease. Therefore, it has been classified as a Variant of Uncertain Significance.